The following is an entry in ClinVar:

NC_000023.10:g.(?_149761077)_(149787632_?)dup

Gene: MTM1 (myotubularin 1; plus strand). Cytogenetic location: Xq28.
Variant type: Duplication.
Identifiers: ClinVar variation 2422671 (VCV002422671.4).

ClinVar aggregate classification (germline): Uncertain significance (1 of 4 stars; one submission).

Conditions:
Severe X-linked myotubular myopathy (CNMX). Also called: X-linked centronuclear myopathy; MYOTUBULAR MYOPATHY 1; Myotubular myopathy, X-linked. Identifiers: Orphanet 596, MedGen C0410203, MONDO:0010683, OMIM 310400.

Submission:

Labcorp Genetics (formerly Invitae), Labcorp
Classification: Uncertain significance for Severe X-linked myotubular myopathy. Last evaluated: 2021-04-28. Review status: criteria provided, single submitter. Criteria: Invitae Variant Classification Sherloc (09022015). Collection method: clinical testing. Allele origin: germline.
Comment: This variant results in a copy number gain of the genomic region encompassing exon(s) 2-6 of the MTM1 gene. This region includes the initiator codon of the gene. The 5' end of this event is unknown as it extends beyond the assayed region for this gene and therefore may encompass additional genes. The 3' boundary is likely confined to intron 6 of the MTM1 gene. As the precise location of this event is unknown, it may be in tandem or it may be located elsewhere in the genome. This variant has not been reported in the literature in individuals with MTM1-related conditions. In summary, the available evidence is currently insufficient to determine the role of this variant in disease. Therefore, it has been classified as a Variant of Uncertain Significance.